The following is an entry in ClinVar:

NM_000124.4(ERCC6):c.1280dup (p.Ser429fs)

Genes: ERCC6 (ERCC excision repair 6, chromatin remodeling factor; minus strand), PGBD3 (piggyBac transposable element derived 3; minus strand). Cytogenetic location: 10q11.23.
Variant type: Duplication.
Coding change: c.1280dup on transcript NM_000124.4 (MANE Select); coding-DNA position 1280, one base duplicated (T; older notation c.1280dupT).
Protein change: p.Ser429fs; shifts the reading frame from serine 429.
Molecular consequence: frameshift variant. On other transcripts: 5 prime UTR variant (1).
Genome position (GRCh38, 1-based): chr10:49,524,150, A duplicated on the plus strand (T on the coding strand, the reverse complement: ERCC6 is on the minus strand); the first of 5 consecutive A bases (chr10:49,524,150-49,524,154); duplicating any one gives the same sequence. VCF-style (leftmost placement, unchanged base first): chr10-49524149-G-GA. GRCh37 (hg19) VCF-style: chr10-50732195-G-GA.
Other names: c.1280dup, p.Ser429fs (NM_001277058.2, NM_001277059.2, NM_001346440.2); c.-125dup (NM_170753.3); short protein forms S429fs.
Identifiers: ClinVar variation 190146 (VCV000190146.6), dbSNP rs786205166, ClinGen allele CA274689.

ClinVar aggregate classification (germline): Pathogenic. Review status: criteria provided, multiple submitters, no conflicts (2 of 4 stars). 2 submissions from 2 submitters: Pathogenic (2). Last evaluated 2021-11-26.

Conditions:
Cockayne syndrome type 2 (CSB). Also called: COCKAYNE SYNDROME B; Cockayne Syndrome, Type II. Identifiers: Orphanet 191, Orphanet 90322, MedGen C0751038, MONDO:0019570, OMIM 133540.

Submissions (2):

Labcorp Genetics (formerly Invitae), Labcorp
Classification: Pathogenic. Last evaluated: 2021-11-26. Review status: criteria provided, single submitter. Criteria: Invitae Variant Classification Sherloc (09022015). Collection method: clinical testing. Allele origin: germline.
Comment: This sequence change creates a premature translational stop signal (p.Ser429Lysfs*7) in the ERCC6 gene. It is expected to result in an absent or disrupted protein product. Loss-of-function variants in ERCC6 are known to be pathogenic (PMID: 18628313, 29572252). For these reasons, this variant has been classified as Pathogenic. ClinVar contains an entry for this variant (Variation ID: 190146). This variant is also known as +T 1359, frameshift 427>435stop. This premature translational stop signal has been observed in individual(s) with Cockayne syndrome (PMID: 9443879). This variant is not present in population databases (gnomAD no frequency).

Claritas Genomics
Classification: Pathogenic for Cockayne syndrome, type B. Last evaluated: 2011-04-26. Review status: criteria provided, single submitter. Criteria: ACMG Guidelines, 2007. Collection method: clinical testing. Allele origin: germline. Inheritance: Autosomal recessive inheritance.

Literature cited by the submitters: PubMed 18628313 (cited by Labcorp Genetics (formerly Invitae), Labcorp); PubMed 29572252 (cited by Labcorp Genetics (formerly Invitae), Labcorp); PubMed 9443879 (cited by Labcorp Genetics (formerly Invitae), Labcorp).